The following is an entry in ClinVar:

NM_001370259.2(MEN1):c.783+2del

Gene: MEN1 (menin 1; minus strand). Cytogenetic location: 11q13.1.
Variant type: Deletion.
Coding change: c.783+2del on transcript NM_001370259.2 (MANE Select); the canonical splice donor site of the intron after coding-DNA position 783, one base deleted (T; older notation c.783+2delT).
Molecular consequence: splice donor variant.
Genome position (GRCh38, 1-based): chr11:64,807,550, A deleted on the plus strand (T on the coding strand, the reverse complement: MEN1 is on the minus strand). VCF-style (leftmost placement, unchanged base first): chr11-64807549-CA-C. GRCh37 (hg19) VCF-style: chr11-64575021-CA-C.
Other names: c.798+2del (NM_130804.3, NM_130803.3, NM_000244.4 and 5 more transcripts); c.678+2del (NM_001407148.1, NM_001407149.1, NM_001407151.1 and 2 more transcripts); c.783+2del (NM_130799.3, NM_001407144.1, NM_001370260.2 and 7 more transcripts).
Identifiers: ClinVar variation 1999124 (VCV001999124.4), dbSNP rs2497202890, ClinGen allele CA2580084513.

ClinVar aggregate classification (germline): Likely pathogenic (1 of 4 stars; one submission).

Conditions:
Multiple endocrine neoplasia, type 1 (MEN1). Also called: WERMER SYNDROME; Endocrine adenomatosis multiple; MEN 1; MEN I; MEA I. Identifiers: Orphanet 652, MedGen C0025267, MeSH D018761, MONDO:0007540, OMIM 131100.

Submission:

Labcorp Genetics (formerly Invitae), Labcorp
Classification: Likely pathogenic for Multiple endocrine neoplasia, type 1. Last evaluated: 2022-05-26. Review status: criteria provided, single submitter. Criteria: Invitae Variant Classification Sherloc (09022015). Collection method: clinical testing. Allele origin: germline.
Comment: This sequence change affects a donor splice site in intron 4 of the MEN1 gene. It is expected to disrupt RNA splicing. Variants that disrupt the donor or acceptor splice site typically lead to a loss of protein function (PMID: 16199547), and loss-of-function variants in MEN1 are known to be pathogenic (PMID: 12112656, 17853334). In summary, the currently available evidence indicates that the variant is pathogenic, but additional data are needed to prove that conclusively. Therefore, this variant has been classified as Likely Pathogenic. Algorithms developed to predict the effect of sequence changes on RNA splicing suggest that this variant may disrupt the consensus splice site. This variant has not been reported in the literature in individuals affected with MEN1-related conditions. This variant is not present in population databases (gnomAD no frequency).

Literature cited by the submitters: PubMed 16199547; PubMed 12112656; PubMed 17853334.